The following is an entry in ClinVar:

NM_033026.6(PCLO):c.7868T>G (p.Val2623Gly)

Gene: PCLO (piccolo presynaptic cytomatrix protein; minus strand). Cytogenetic location: 7q21.11.
Variant type: single nucleotide variant.
Coding change: c.7868T>G on transcript NM_033026.6 (MANE Select); coding-DNA position 7868, T replaced by G.
Protein change: p.Val2623Gly; replaces valine 2623 with glycine.
Molecular consequence: missense variant.
Genome position (GRCh38, 1-based): chr7:82,953,085, A>C on the plus strand (T>G on the coding strand, the complement: PCLO is on the minus strand). VCF-style: chr7-82953085-A-C. GRCh37 (hg19) VCF-style: chr7-82582401-A-C.
Other names: c.7868T>G, p.Val2623Gly (NM_014510.3); c.7868T>G (NM_033026.5); short protein forms V2623G.
Identifiers: ClinVar variation 1521543 (VCV001521543.27), dbSNP rs776949129, ClinGen allele CA4320234.
Genomic context (GRCh38, chr7:82,953,085, plus strand): 5'-CCAGAGATGTAGAAGGTCTGTTCTGAAGAAATTGGAATTTCTACAGCTGTCACAGGAGGA[A>C]CTACAGAAAACACAGGTTCAACAGAAACCAGATCTTTGGAGGGTGATCCCAAGGGCCAAC-3'
Protein context (NP_149015.2, residues 2613-2633): LVSVEPVFSV[Val2623Gly]PPVTAVEIPI

ClinVar aggregate classification (germline): Conflicting classifications of pathogenicity. Review status: criteria provided, conflicting classifications (1 of 4 stars). 4 submissions from 4 submitters: Uncertain significance (3); Likely benign (1). Last evaluated 2026-08-06.

Allele frequency attached by ClinVar (database versions not stated): gnomAD 0.00007; TOPMed 0.00009; gnomAD exomes 0.00012; ExAC 0.00014.
gnomAD v4.1: 113 of 1,613,828 alleles (0.007%); highest among the groups gnomAD compares: Middle Eastern, 0.049%; no homozygotes.

Submissions (4):

GeneDx
Classification: Uncertain significance. Last evaluated: 2026-08-06. Review status: criteria provided, single submitter. Criteria: GeneDx Variant Classification Process June 2021. Collection method: clinical testing. Allele origin: germline.
Comment: In silico analysis supports that this missense variant has a deleterious effect on protein structure/function; Has not been previously published as pathogenic or benign to our knowledge

CeGaT Center for Human Genetics Tuebingen
Classification: Likely benign. Last evaluated: 2024-10-01. Review status: criteria provided, single submitter. Criteria: CeGaT Center For Human Genetics Tuebingen Variant Classification Criteria Version 2. Collection method: clinical testing. Allele origin: germline. Affected: yes. Observed: 2 variant alleles.
Comment: PCLO: BP4

Labcorp Genetics (formerly Invitae), Labcorp
Classification: Uncertain significance. Last evaluated: 2022-07-27. Review status: criteria provided, single submitter. Criteria: Invitae Variant Classification Sherloc (09022015). Collection method: clinical testing. Allele origin: germline.
Comment: This sequence change replaces valine, which is neutral and non-polar, with glycine, which is neutral and non-polar, at codon 2623 of the PCLO protein (p.Val2623Gly). This variant is present in population databases (rs776949129, gnomAD 0.02%). This variant has not been reported in the literature in individuals affected with PCLO-related conditions. ClinVar contains an entry for this variant (Variation ID: 1521543). Algorithms developed to predict the effect of missense changes on protein structure and function are either unavailable or do not agree on the potential impact of this missense change (SIFT: "Deleterious"; PolyPhen-2: "Not Available"; Align-GVGD: "Class C0"). In summary, the available evidence is currently insufficient to determine the role of this variant in disease. Therefore, it has been classified as a Variant of Uncertain Significance.

Breakthrough Genomics
Classification: Uncertain significance. Review status: criteria provided, single submitter. Criteria: ACMG Guidelines, 2015. Collection method: not provided. Allele origin: germline. Inheritance: Autosomal recessive inheritance. Affected: yes.